The following is an entry in ClinVar:

ClinVar aggregate classification (germline): Uncertain significance. Review status: criteria provided, multiple submitters, no conflicts (2 of 4 stars). 2 submissions from 2 submitters: Uncertain significance (2). Last evaluated 2024-02-22.

Conditions:
Hereditary cancer-predisposing syndrome. Also called: Tumor predisposition; Hereditary Cancer Syndrome; Hereditary neoplastic syndrome; Neoplastic Syndromes, Hereditary. Identifiers: Orphanet 140162, MedGen C0027672, MeSH D009386, MONDO:0015356.

Allele frequency attached by ClinVar (database versions not stated): gnomAD exomes 0.00001.
gnomAD v4.1: 3 of 1,614,126 alleles (0.00019%); highest among the groups gnomAD compares: Admixed American, 0.0033%; no homozygotes.

Submissions (2):

Ambry Genetics
Classification: Uncertain significance for Hereditary cancer-predisposing syndrome. Last evaluated: 2024-02-22. Review status: criteria provided, single submitter. Criteria: Ambry Variant Classification Scheme 2023. Collection method: clinical testing. Allele origin: germline.
Comment: The p.C138Y variant (also known as c.413G>A), located in coding exon 3 of the XRCC2 gene, results from a G to A substitution at nucleotide position 413. The cysteine at codon 138 is replaced by tyrosine, an amino acid with highly dissimilar properties. This amino acid position is conserved. In addition, this alteration is predicted to be deleterious by in silico analysis. Since supporting evidence is limited at this time, the clinical significance of this alteration remains unclear.

Labcorp Genetics (formerly Invitae), Labcorp
Classification: Uncertain significance. Last evaluated: 2023-07-31. Review status: criteria provided, single submitter. Criteria: Invitae Variant Classification Sherloc (09022015). Collection method: clinical testing. Allele origin: germline.
Comment: In summary, the available evidence is currently insufficient to determine the role of this variant in disease. Therefore, it has been classified as a Variant of Uncertain Significance. Advanced modeling of protein sequence and biophysical properties (such as structural, functional, and spatial information, amino acid conservation, physicochemical variation, residue mobility, and thermodynamic stability) performed at Invitae indicates that this missense variant is expected to disrupt XRCC2 protein function. ClinVar contains an entry for this variant (Variation ID: 409964). This variant has not been reported in the literature in individuals affected with XRCC2-related conditions. This variant is not present in population databases (gnomAD no frequency). This sequence change replaces cysteine, which is neutral and slightly polar, with tyrosine, which is neutral and polar, at codon 138 of the XRCC2 protein (p.Cys138Tyr).

NM_005431.2(XRCC2):c.413G>A (p.Cys138Tyr)

Gene: XRCC2 (X-ray repair cross complementing 2; minus strand). Cytogenetic location: 7q36.1.
Variant type: single nucleotide variant.
Coding change: c.413G>A on transcript NM_005431.2 (MANE Select); coding-DNA position 413, G replaced by A.
Protein change: p.Cys138Tyr; replaces cysteine 138 with tyrosine.
Molecular consequence: missense variant.
Genome position (GRCh38, 1-based): chr7:152,649,072, C>T on the plus strand (G>A on the coding strand, the complement: XRCC2 is on the minus strand). VCF-style: chr7-152649072-C-T. GRCh37 (hg19) VCF-style: chr7-152346157-C-T.
Other names: short protein forms C138Y.
Identifiers: ClinVar variation 409964 (VCV000409964.12), dbSNP rs1060502668, ClinGen allele CA16612058.